The following is an entry in ClinVar:

ClinVar aggregate classification (germline): Likely pathogenic (1 of 4 stars; one submission).

Conditions:
Developmental and epileptic encephalopathy, 42 (DEE42A). Also called: DEVELOPMENTAL AND EPILEPTIC ENCEPHALOPATHY 42A; EPILEPTIC ENCEPHALOPATHY, EARLY INFANTILE, 42A; Epileptic encephalopathy, early infantile, 42. Identifiers: MedGen C4310716, MONDO:0014917, OMIM 617106.
Episodic ataxia type 2 (EA2). Also called: ATAXIA, EPISODIC, WITH NYSTAGMUS; ATAXIA, FAMILIAL PAROXYSMAL; CEREBELLAR ATAXIA, PAROXYSMAL, ACETAZOLAMIDE-RESPONSIVE; CEREBELLOPATHY, HEREDITARY PAROXYSMAL; EPISODIC ATAXIA, NYSTAGMUS-ASSOCIATED; ACETAZOLAMIDE-RESPONSIVE HEREDITARY PAROXYSMAL CEREBELLAR ATAXIA. Identifiers: Orphanet 97, MedGen C1720416, MONDO:0007163, OMIM 108500.

Submission:

Labcorp Genetics (formerly Invitae), Labcorp
Classification: Likely pathogenic for Developmental and epileptic encephalopathy, 42; Episodic ataxia type 2. Last evaluated: 2020-11-24. Review status: criteria provided, single submitter. Criteria: Invitae Variant Classification Sherloc (09022015). Collection method: clinical testing. Allele origin: germline.
Comment: This sequence change affects a donor splice site in intron 40 of the CACNA1A gene. It is expected to disrupt RNA splicing. Variants that disrupt the donor or acceptor splice site typically lead to a loss of protein function (PMID: 16199547), and loss-of-function variants in CACNA1A are known to be pathogenic (PMID: 10371528, 19486177, 25735478, 27250579). This variant is not present in population databases (ExAC no frequency). This variant has not been reported in the literature in individuals with CACNA1A-related conditions. Algorithms developed to predict the effect of sequence changes on RNA splicing suggest that this variant may disrupt the consensus splice site, but this prediction has not been confirmed by published transcriptional studies. In summary, the currently available evidence indicates that the variant is pathogenic, but additional data are needed to prove that conclusively. Therefore, this variant has been classified as Likely Pathogenic.

Literature cited by the submitters: PubMed 16199547; PubMed 10371528; PubMed 19486177; PubMed 25735478; PubMed 27250579.

NM_001127222.2(CACNA1A):c.5940+1G>A

Gene: CACNA1A (calcium voltage-gated channel subunit alpha1 A; minus strand). Cytogenetic location: 19p13.13.
Variant type: single nucleotide variant.
Coding change: c.5940+1G>A on transcript NM_001127222.2 (MANE Select); the canonical splice donor site of the intron after coding-DNA position 5940, G replaced by A.
Molecular consequence: splice donor variant.
Genome position (GRCh38, 1-based): chr19:13,214,232, C>T on the plus strand (G>A on the coding strand, the complement: CACNA1A is on the minus strand). VCF-style: chr19-13214232-C-T. GRCh37 (hg19) VCF-style: chr19-13325046-C-T.
Other names: c.5943+1G>A (NM_001127221.2); c.5949+1G>A (NM_001174080.2); c.5958+1G>A (NM_000068.4, NM_023035.3).
Identifiers: ClinVar variation 1485663 (VCV001485663.8), dbSNP rs2144535495, ClinGen allele CA404333882.
Genomic context (GRCh38, chr19:13,214,232, plus strand): 5'-CGTGGTGACATGCAAGCCACTGTCCCCAGCCCAGATGTCCCCAGAGCGGCGAACAGCGCA[C>T]CTGCTCCTCGCGCATGGCCTGCAGCTTCTTGGCCTTGCTCTGCCGGTAGTACTCCATGAT-3'